The following is an entry in ClinVar:

NM_015627.3(LDLRAP1):c.773C>T (p.Ala258Val)

Gene: LDLRAP1 (low density lipoprotein receptor adaptor protein 1; plus strand). Cytogenetic location: 1p36.11.
Variant type: single nucleotide variant.
Coding change: c.773C>T on transcript NM_015627.3 (MANE Select); coding-DNA position 773, C replaced by T.
Protein change: p.Ala258Val; replaces alanine 258 with valine.
Molecular consequence: missense variant.
Genome position (GRCh38, 1-based): chr1:25,565,198, C>T. VCF-style: chr1-25565198-C-T. GRCh37 (hg19) VCF-style: chr1-25891689-C-T.
Other names: short protein forms A258V.
Identifiers: ClinVar variation 5042644 (VCV005042644.1).

ClinVar aggregate classification (germline): Uncertain significance (1 of 4 stars; one submission).

Conditions:
Familial hypercholesterolemia. Also called: Familial hypercholesterolemias; Familial hypercholesterolaemia. Identifiers: MedGen C0020445, MONDO:0005439.

Submission:

Cambridge Genomics Laboratory, East Genomic Laboratory Hub, NHS Genomic Medicine Service
Classification: Uncertain significance for Familial hypercholesterolaemia. Last evaluated: 2026-11-03. Review status: criteria provided, single submitter. Criteria: ACGS Best Practice Guidelines for Variant Classification in Rare Disease 2020. Collection method: clinical testing. Allele origin: germline. Affected: yes.
Comment: PM2,BP4